The following is an entry in ClinVar:

ClinVar aggregate classification (germline): Pathogenic (1 of 4 stars; one submission).

Conditions:
CEP290-related ciliopathy. Also called: CEP290 ciliopathy. Identifiers: MedGen CN305601, MONDO:0100451.

Submission:

Myriad Genetics, Inc.
Classification: Pathogenic for CEP290-related ciliopathy. Last evaluated: 2025-02-12. Review status: criteria provided, single submitter. Criteria: Myriad Autosomal Dominant, Autosomal Recessive and X-Linked Classification Criteria (2023). Collection method: clinical testing. Allele origin: unknown.
Comment: NM_025114.3(CEP290):c.4544_4548del5(R1515Kfs*5) is a frameshift variant classified as pathogenic in the context of CEP290-related disorders. R1515Kfs*5 has not been observed in cases with relevant disease. Relevant functional assessments of this variant are not available in the literature. R1515Kfs*5 has not been observed in referenced population frequency databases. In summary, NM_025114.3(CEP290):c.4544_4548del5(R1515Kfs*5) is a frameshift variant in a gene where loss of function is a known mechanism of disease and is predicted to disrupt protein function. Please note: this variant was assessed in the context of healthy population screening.

NM_025114.4(CEP290):c.4544_4548del (p.Arg1515fs)

Gene: CEP290 (centrosomal protein 290; minus strand). Cytogenetic location: 12q21.32.
Variant type: Deletion.
Coding change: c.4544_4548del on transcript NM_025114.4 (MANE Select); coding-DNA positions 4544 to 4548, 5 bases deleted (GAGAA; older notation c.4544_4548delGAGAA).
Protein change: p.Arg1515fs; shifts the reading frame from arginine 1515.
Molecular consequence: frameshift variant.
Genome position (GRCh38, 1-based): chr12:88,084,742-88,084,746, TTCTC deleted on the plus strand (GAGAA on the coding strand, the reverse complement: CEP290 is on the minus strand); deleting any 5 consecutive bases within chr12:88,084,742-88,084,748 gives the same sequence; the c. name uses the placement nearest the transcript's 3' end. VCF-style (leftmost placement, unchanged base first): chr12-88084741-TTTCTC-T. GRCh37 (hg19) VCF-style: chr12-88478518-TTTCTC-T.
Other names: short protein forms R1515fs.
Identifiers: ClinVar variation 4081609 (VCV004081609.1).
Genomic context (GRCh38, chr12:88,084,741, plus strand): 5'-TTTTCAATGTGTGGTGAGATTTTGGTTCCATCTCTTTTCTGCCTAGCTCAGCTATGAGCT[TTTCTC>T]TTTCTGCAGTGGCAGGCAATCGAAGCCTCAGTTCATTGATTACTTTGTCTCTTGACAGTA-3'